The following is an entry in ClinVar:

NM_152305.3(POGLUT1):c.6G>A (p.Glu2=)

Gene: POGLUT1 (protein O-glucosyltransferase 1; plus strand). Cytogenetic location: 3q13.33.
Variant type: single nucleotide variant.
Coding change: c.6G>A on transcript NM_152305.3 (MANE Select); coding-DNA position 6, G replaced by A.
Protein change: p.Glu2=; no amino-acid change (glutamic acid 2 retained).
Molecular consequence: synonymous variant. On other transcripts: non-coding transcript variant (1).
Genome position (GRCh38, 1-based): chr3:119,469,027, G>A. VCF-style: chr3-119469027-G-A. GRCh37 (hg19) VCF-style: chr3-119187874-G-A.
Identifiers: ClinVar variation 4281417 (VCV004281417.7).

ClinVar aggregate classification (germline): Likely benign (1 of 4 stars; one submission).

gnomAD v4.1: 2 of 1,608,250 alleles (0.00012%); highest among the groups gnomAD compares: Non-Finnish European, 0.00017%; no homozygotes.

Submission:

CeGaT Center for Human Genetics Tuebingen
Classification: Likely benign. Last evaluated: 2025-09-01. Review status: criteria provided, single submitter. Criteria: CeGaT Center For Human Genetics Tuebingen Variant Classification Criteria Version 2. Collection method: clinical testing. Allele origin: germline. Affected: yes. Observed: 1 variant allele.
Comment: POGLUT1: BP4, BP7